The following is an entry in ClinVar:

NM_006567.5(FARS2):c.475C>T (p.His159Tyr)

Genes: FARS2 (phenylalanyl-tRNA synthetase 2, mitochondrial; plus strand), LOC126859565 (CDK7 strongly-dependent group 2 enhancer GRCh37_chr6:5368745-5369944; plus strand). Cytogenetic location: 6p25.1.
Variant type: single nucleotide variant.
Coding change: c.475C>T on transcript NM_006567.5 (MANE Select); coding-DNA position 475, C replaced by T.
Protein change: p.His159Tyr; replaces histidine 159 with tyrosine.
Molecular consequence: missense variant. On other transcripts: intron variant (2).
Genome position (GRCh38, 1-based): chr6:5,369,045, C>T. VCF-style: chr6-5369045-C-T. GRCh37 (hg19) VCF-style: chr6-5369278-C-T.
Other names: c.475C>T, p.His159Tyr (NM_001318872.2, NM_001374875.1, NM_001374876.1 and 5 more transcripts); c.-340-27588C>T (NM_001375260.1); c.-84-35497C>T (NM_001375259.1); short protein forms H159Y.
Identifiers: ClinVar variation 2870316 (VCV002870316.3), dbSNP rs2534754736, ClinGen allele CA362735362.

ClinVar aggregate classification (germline): Uncertain significance (1 of 4 stars; one submission).

Conditions:
Combined oxidative phosphorylation defect type 14. Also called: Combined oxidative phosphorylation deficiency 14. Identifiers: Orphanet 319519, MedGen C4755312, MONDO:0013986, OMIM 614946.

Submission:

Labcorp Genetics (formerly Invitae), Labcorp
Classification: Uncertain significance for Combined oxidative phosphorylation defect type 14. Last evaluated: 2024-01-17. Review status: criteria provided, single submitter. Criteria: Invitae Variant Classification Sherloc (09022015). Collection method: clinical testing. Allele origin: germline.
Comment: This sequence change replaces histidine, which is basic and polar, with tyrosine, which is neutral and polar, at codon 159 of the FARS2 protein (p.His159Tyr). This variant is not present in population databases (gnomAD no frequency). This variant has not been reported in the literature in individuals affected with FARS2-related conditions. Advanced modeling of protein sequence and biophysical properties (such as structural, functional, and spatial information, amino acid conservation, physicochemical variation, residue mobility, and thermodynamic stability) performed at Invitae indicates that this missense variant is expected to disrupt FARS2 protein function with a positive predictive value of 95%. In summary, the available evidence is currently insufficient to determine the role of this variant in disease. Therefore, it has been classified as a Variant of Uncertain Significance.